The following is an entry in ClinVar:

NM_000095.3(COMP):c.2066G>A (p.Arg689Gln)

Gene: COMP (cartilage oligomeric matrix protein; minus strand). Cytogenetic location: 19p13.11.
Variant type: single nucleotide variant.
Coding change: c.2066G>A on transcript NM_000095.3 (MANE Select); coding-DNA position 2066, G replaced by A.
Protein change: p.Arg689Gln; replaces arginine 689 with glutamine.
Molecular consequence: missense variant.
Genome position (GRCh38, 1-based): chr19:18,784,212, C>T on the plus strand (G>A on the coding strand, the complement: COMP is on the minus strand). VCF-style: chr19-18784212-C-T. GRCh37 (hg19) VCF-style: chr19-18895022-C-T.
Other names: short protein forms R689Q.
Identifiers: ClinVar variation 3624546 (VCV003624546.2).

ClinVar aggregate classification (germline): Uncertain significance (1 of 4 stars; one submission).

gnomAD v4.1: 9 of 1,613,766 alleles (0.00056%); highest among the groups gnomAD compares: South Asian, 0.0011%; no homozygotes.

Submission:

Labcorp Genetics (formerly Invitae), Labcorp
Classification: Uncertain significance. Last evaluated: 2024-03-07. Review status: criteria provided, single submitter. Criteria: Invitae Variant Classification Sherloc (09022015). Collection method: clinical testing. Allele origin: germline.
Comment: This sequence change replaces arginine, which is basic and polar, with glutamine, which is neutral and polar, at codon 689 of the COMP protein (p.Arg689Gln). This variant is present in population databases (rs759480798, gnomAD 0.003%). This variant has not been reported in the literature in individuals affected with COMP-related conditions. Advanced modeling of protein sequence and biophysical properties (such as structural, functional, and spatial information, amino acid conservation, physicochemical variation, residue mobility, and thermodynamic stability) performed at Invitae indicates that this missense variant is expected to disrupt COMP protein function with a positive predictive value of 80%. In summary, the available evidence is currently insufficient to determine the role of this variant in disease. Therefore, it has been classified as a Variant of Uncertain Significance.